The following is an entry in ClinVar:

ClinVar aggregate classification (germline): Uncertain significance (1 of 4 stars; one submission).

Conditions:
Cenani-Lenz syndactyly syndrome. Also called: SYNDACTYLY, TYPE VII; CENANI SYNDACTYLISM. Identifiers: Orphanet 3258, MedGen C1859309, MONDO:0008931, OMIM 212780.
Sclerosteosis 2 (SOST2). Identifiers: Orphanet 3152, MedGen C3280402, MONDO:0013679, OMIM 614305.
Congenital myasthenic syndrome 17. Identifiers: Orphanet 590, MedGen C4225377, MONDO:0014578, OMIM 616304.

Submission:

Labcorp Genetics (formerly Invitae), Labcorp
Classification: Uncertain significance for Cenani-Lenz syndactyly syndrome; Sclerosteosis 2; Congenital myasthenic syndrome 17. Last evaluated: 2022-09-26. Review status: criteria provided, single submitter. Criteria: Invitae Variant Classification Sherloc (09022015). Collection method: clinical testing. Allele origin: germline.
Comment: This sequence change replaces methionine, which is neutral and non-polar, with threonine, which is neutral and polar, at codon 1297 of the LRP4 protein (p.Met1297Thr). This variant is not present in population databases (gnomAD no frequency). This variant has not been reported in the literature in individuals affected with LRP4-related conditions. Advanced modeling of protein sequence and biophysical properties (such as structural, functional, and spatial information, amino acid conservation, physicochemical variation, residue mobility, and thermodynamic stability) performed at Invitae indicates that this missense variant is not expected to disrupt LRP4 protein function. In summary, the available evidence is currently insufficient to determine the role of this variant in disease. Therefore, it has been classified as a Variant of Uncertain Significance.

NM_002334.4(LRP4):c.3890T>C (p.Met1297Thr)

Gene: LRP4 (LDL receptor related protein 4; minus strand). Cytogenetic location: 11p11.2.
Variant type: single nucleotide variant.
Coding change: c.3890T>C on transcript NM_002334.4 (MANE Select); coding-DNA position 3890, T replaced by C.
Protein change: p.Met1297Thr; replaces methionine 1297 with threonine.
Molecular consequence: missense variant.
Genome position (GRCh38, 1-based): chr11:46,875,491, A>G on the plus strand (T>C on the coding strand, the complement: LRP4 is on the minus strand). VCF-style: chr11-46875491-A-G. GRCh37 (hg19) VCF-style: chr11-46897042-A-G.
Other names: short protein forms M1297T.
Identifiers: ClinVar variation 2158918 (VCV002158918.4), dbSNP rs2539729050, ClinGen allele CA380272381.